The following is an entry in ClinVar:

ClinVar aggregate classification (germline): Benign. Review status: criteria provided, multiple submitters, no conflicts (2 of 4 stars). 2 submissions from 2 submitters: Benign (2). Last evaluated 2018-01-12.

Conditions:
Neonatal diabetes mellitus with congenital hypothyroidism. Also called: NDH SYNDROME. Identifiers: Orphanet 79118, MedGen C1857775, MONDO:0012436, OMIM 610199.

Allele frequency attached by ClinVar (database versions not stated): 1000 Genomes Project 30x 0.37976; 1000 Genomes Project 0.38658; TOPMed 0.39158; gnomAD 0.39299 and 0.39475; gnomAD exomes 0.50000.
gnomAD v4.1: 60,200 of 152,056 alleles (40%); highest among the groups gnomAD compares: East Asian, 58%; 12,824 homozygotes.

Submissions (2):

Illumina Laboratory Services, Illumina
Classification: Benign for Neonatal diabetes mellitus with congenital hypothyroidism. Last evaluated: 2018-01-12. Review status: criteria provided, single submitter. Criteria: ICSL Variant Classification Criteria 13 December 2019. Collection method: clinical testing. Allele origin: germline.
Comment: This variant was observed in the ICSL laboratory as part of a predisposition screen in an ostensibly healthy population. It had not been previously curated by ICSL or reported in the Human Gene Mutation Database (HGMD: prior to June 1st, 2018), and was therefore a candidate for classification through an automated scoring system. Utilizing variant allele frequency, disease prevalence and penetrance estimates, and inheritance mode, an automated score was calculated to assess if this variant is too frequent to cause the disease. Based on the score and internal cut-off values, a variant classified as benign is not then subjected to further curation. The score for this variant resulted in a classification of benign for this disease.

Breakthrough Genomics
Classification: Benign. Review status: criteria provided, single submitter. Criteria: ACMG Guidelines, 2015. Collection method: not provided. Allele origin: germline. Inheritance: Autosomal recessive inheritance. Affected: yes.

NM_001042413.2(GLIS3):c.*1197G>C

Gene: GLIS3 (GLIS family zinc finger 3; minus strand). Cytogenetic location: 9p24.2.
Variant type: single nucleotide variant.
Coding change: c.*1197G>C on transcript NM_001042413.2 (MANE Select); 1197 bases downstream of the stop codon, G replaced by C.
Molecular consequence: 3 prime UTR variant.
Genome position (GRCh38, 1-based): chr9:3,827,075, C>G on the plus strand (G>C on the coding strand, the complement: GLIS3 is on the minus strand). VCF-style: chr9-3827075-C-G. GRCh37 (hg19) VCF-style: chr9-3827075-C-G.
Other names: c.*1197G>C (NM_152629.4).
Identifiers: ClinVar variation 366938 (VCV000366938.6), dbSNP rs10973690, ClinGen allele CA10633749.